The following is an entry in ClinVar:

NM_001110556.2(FLNA):c.7375G>A (p.Ala2459Thr)

Gene: FLNA (filamin A; minus strand). Cytogenetic location: Xq28.
Variant type: single nucleotide variant.
Coding change: c.7375G>A on transcript NM_001110556.2 (MANE Select); coding-DNA position 7375, G replaced by A.
Protein change: p.Ala2459Thr; replaces alanine 2459 with threonine.
Molecular consequence: missense variant.
Genome position (GRCh38, 1-based): chrX:154,349,826, C>T on the plus strand (G>A on the coding strand, the complement: FLNA is on the minus strand). VCF-style: chrX-154349826-C-T. GRCh37 (hg19) VCF-style: chrX-153578194-C-T.
Other names: c.7351G>A, p.Ala2451Thr (NM_001456.4); short protein forms A2451T, A2459T.
Identifiers: ClinVar variation 1489511 (VCV001489511.7), dbSNP rs1420001297, ClinGen allele CA415182916.

ClinVar aggregate classification (germline): Uncertain significance. Review status: criteria provided, single submitter (1 of 4 stars). 2 submissions from 2 submitters: Uncertain significance (1). 1 of the submissions does not count toward it. Last evaluated 2022-08-21.

Conditions:
Macrothrombocytopenia. Identifiers: MedGen C2751260, HP:0040185.
Oto-palato-digital syndrome, type II (OPD2). Also called: FACIOPALATOOSSEOUS SYNDROME; OPD II SYNDROME; Otopalatodigital Syndrome, Type II; Otopalatodigital Syndrome Type 2 (FLNA-OPD2). Identifiers: Orphanet 669, Orphanet 90652, MedGen C1844696, MONDO:0010571, OMIM 304120.
Heterotopia, periventricular, X-linked dominant (PVNH1). Also called: PERIVENTRICULAR NODULAR HETEROTOPIA 4; HETEROTOPIA, PERIVENTRICULAR, 1; PERIVENTRICULAR NODULAR HETEROTOPIA 1; X-linked periventricular heterotopia. Identifiers: Orphanet 2149, Orphanet 82004, MedGen C1848213, MONDO:0010233, OMIM 300049.
Melnick-Needles syndrome (MNS). Also called: MELNICK-NEEDLES OSTEODYSPLASTY; OSTEODYSPLASTY OF MELNICK AND NEEDLES; Melnick-Needles Syndrome (FLNA-MNS). Identifiers: Orphanet 2484, MedGen C0025237, MONDO:0010650, OMIM 309350.
Frontometaphyseal dysplasia (FMD1). Identifiers: Orphanet 1826, MedGen C0265293, MONDO:0015942.

Allele frequency attached by ClinVar (database versions not stated): TOPMed below 0.00001; gnomAD exomes 0.00001.
gnomAD v4.1: 9 of 1,211,584 alleles (0.00074%); highest among the groups gnomAD compares: Non-Finnish European, 0.001%; no homozygotes.

Submissions (2):

Labcorp Genetics (formerly Invitae), Labcorp
Classification: Uncertain significance for Oto-palato-digital syndrome, type II; Heterotopia, periventricular, X-linked dominant; Frontometaphyseal dysplasia; Melnick-Needles syndrome. Last evaluated: 2022-08-21. Review status: criteria provided, single submitter. Criteria: Invitae Variant Classification Sherloc (09022015). Collection method: clinical testing. Allele origin: germline.
Comment: In summary, the available evidence is currently insufficient to determine the role of this variant in disease. Therefore, it has been classified as a Variant of Uncertain Significance. Advanced modeling of protein sequence and biophysical properties (such as structural, functional, and spatial information, amino acid conservation, physicochemical variation, residue mobility, and thermodynamic stability) performed at Invitae indicates that this missense variant is not expected to disrupt FLNA protein function. ClinVar contains an entry for this variant (Variation ID: 1489511). This variant has not been reported in the literature in individuals affected with FLNA-related conditions. This variant is not present in population databases (gnomAD no frequency). This sequence change replaces alanine, which is neutral and non-polar, with threonine, which is neutral and polar, at codon 2451 of the FLNA protein (p.Ala2451Thr).

ISTH-SSC Genomics in Thrombosis and Hemostasis, KU Leuven, Center for Molecular and Vascular Biology
Classification: Uncertain significance for Macrothrombocytopenia. Review status: no assertion criteria provided. Collection method: research. Allele origin: unknown. Affected: yes. Not counted in ClinVar's aggregate classification.
Comment: Submitted to GoldVariant by Dr Karyn Mégy from NIHR Bioresource - Cambridge University, UK